The following is an entry in ClinVar:

NM_201525.4(ADGRG1):c.843del (p.Ser281fs)

Gene: ADGRG1 (adhesion G protein-coupled receptor G1; plus strand). Cytogenetic location: 16q21.
Variant type: Deletion.
Coding change: c.843del on transcript NM_201525.4 (MANE Select); coding-DNA position 843, one base deleted (C; older notation c.843delC).
Protein change: p.Ser281fs; shifts the reading frame from serine 281.
Molecular consequence: frameshift variant.
Genome position (GRCh38, 1-based): chr16:57,655,473, C deleted. VCF-style (leftmost placement, unchanged base first): chr16-57655472-GC-G. GRCh37 (hg19) VCF-style: chr16-57689384-GC-G.
Other names: c.843del, p.Ser281fs (NM_001145770.3, NM_001145771.3, NM_001145772.3 and 16 more transcripts); c.858del, p.Ser286fs (NM_001145773.3, NM_001370433.1); c.333del, p.Ser111fs (NM_001290142.2); c.318del, p.Ser106fs (NM_001290143.2, NM_001290144.2, NM_001370451.1 and 2 more transcripts); c.687del, p.Ser229fs (NM_001370442.1); short protein forms S106fs, S111fs, S229fs, S281fs, S286fs.
Identifiers: ClinVar variation 1703394 (VCV001703394.2), dbSNP rs2545312740, ClinGen allele CA2576009979.

ClinVar aggregate classification (germline): Likely pathogenic (1 of 4 stars; one submission).

Submission:

GeneDx
Classification: Likely pathogenic. Last evaluated: 2022-02-25. Review status: criteria provided, single submitter. Criteria: GeneDx Variant Classification Process June 2021. Collection method: clinical testing. Allele origin: germline. Affected: yes.
Comment: Frameshift variant predicted to result in protein truncation or nonsense mediated decay in a gene for which loss-of-function is a known mechanism of disease; Not observed at significant frequency in large population cohorts (gnomAD); Has not been previously published as pathogenic or benign to our knowledge